The following is an entry in ClinVar:

NM_031483.7(ITCH):c.352G>A (p.Val118Met)

Gene: ITCH (itchy E3 ubiquitin protein ligase; plus strand). Cytogenetic location: 20q11.22.
Variant type: single nucleotide variant.
Coding change: c.352G>A on transcript NM_031483.7 (MANE Select); coding-DNA position 352, G replaced by A.
Protein change: p.Val118Met; replaces valine 118 with methionine.
Molecular consequence: missense variant.
Genome position (GRCh38, 1-based): chr20:34,413,756, G>A. VCF-style: chr20-34413756-G-A. GRCh37 (hg19) VCF-style: chr20-33001562-G-A.
Other names: c.352G>A, p.Val118Met (NM_001257137.3, NM_001324197.2, NM_001324198.2); c.22G>A, p.Val8Met (NM_001257138.3); short protein forms V8M, V118M.
Identifiers: ClinVar variation 4769354 (VCV004769354.1).

ClinVar aggregate classification (germline): Uncertain significance (1 of 4 stars; one submission).

Conditions:
Syndromic multisystem autoimmune disease due to ITCH deficiency. Also called: AUTOIMMUNE DISEASE, MULTISYSTEM, WITH FACIAL DYSMORPHISM. Identifiers: Orphanet 228426, MedGen C3150649, MONDO:0013245, OMIM 613385.

Submission:

Labcorp Genetics (formerly Invitae), Labcorp
Classification: Uncertain significance for Syndromic multisystem autoimmune disease due to ITCH deficiency. Last evaluated: 2025-03-24. Review status: criteria provided, single submitter. Criteria: Invitae Variant Classification Sherloc (09022015). Collection method: clinical testing. Allele origin: germline.
Comment: This sequence change replaces valine, which is neutral and non-polar, with methionine, which is neutral and non-polar, at codon 118 of the ITCH protein (p.Val118Met). This variant is not present in population databases (gnomAD no frequency). This variant has not been reported in the literature in individuals affected with ITCH-related conditions. An algorithm developed to predict the effect of missense changes on protein structure and function outputs the following: PolyPhen-2: "Benign". The methionine amino acid residue is found in multiple mammalian species, which suggests that this missense change does not adversely affect protein function. In summary, the available evidence is currently insufficient to determine the role of this variant in disease. Therefore, it has been classified as a Variant of Uncertain Significance.